The following is an entry in ClinVar:

ClinVar aggregate classification (germline): Pathogenic (1 of 4 stars; one submission).

Conditions:
Fabry disease. Also called: ALPHA-GALACTOSIDASE A DEFICIENCY; ANDERSON-FABRY DISEASE; CERAMIDE TRIHEXOSIDASE DEFICIENCY; GLA DEFICIENCY; HEREDITARY DYSTOPIC LIPIDOSIS; Angiokeratoma corporis diffusum. Identifiers: Orphanet 324, MedGen C0002986, MONDO:0010526, OMIM 301500, HP:0001071. Disease mechanism: Fabry disease is due to inactivating mutations in the X-linked GLA gene resulting in deficiency of the enzyme Alpha Galactosidase-A., loss of function.

Submission:

Genomenon, Inc
Classification: Pathogenic for Fabry disease. Last evaluated: 2026-09-08. Review status: criteria provided, single submitter. Criteria: Genomenon Sequence Variant Interpretation Standards - Updated. Collection method: curation. Allele origin: germline. Affected: yes.
Comment: GLA p.Trp47Ter (c.140G>A) is a nonsense variant that introduces a premature stop codon at amino acid position 47 and is predicted to result in a truncated or absent protein product. This variant has been observed in at least one proband with clinical features consistent with Fabry disease (PMID:37480128;36816376;34906154;31996269). The variant was found to segregate with disease in at least one affected family (PMID:36816376;34906154). Functional or patient cell studies have been reported (PMID:36816376;37480128;34906154). It is absent or not present at a significant frequency in gnomAD. In conclusion, we classify GLA p.Trp47Ter (c.140G>A) as a pathogenic variant.

Literature cited by the submitters: PubMed 37480128; PubMed 36816376; PubMed 34906154; PubMed 31996269.

NM_000169.3(GLA):c.140G>A (p.Trp47Ter)

Genes: GLA (galactosidase alpha; minus strand), RPL36A-HNRNPH2 (RPL36A-HNRNPH2 readthrough; plus strand). Cytogenetic location: Xq22.1.
Variant type: single nucleotide variant.
Coding change: c.140G>A on transcript NM_000169.3 (MANE Select); coding-DNA position 140, G replaced by A.
Protein change: p.Trp47Ter; replaces tryptophan 47 with a stop codon.
Molecular consequence: nonsense. On other transcripts: non-coding transcript variant (3), intron variant (2).
Genome position (GRCh38, 1-based): chrX:101,407,764, C>T on the plus strand (G>A on the coding strand, the complement: GLA is on the minus strand). VCF-style: chrX-101407764-C-T. GRCh37 (hg19) VCF-style: chrX-100662752-C-T.
Other names: c.140G>A, p.Trp47Ter (NM_001406747.1, NM_001406748.1, NM_001406749.1); c.301-4172C>T (NM_001199973.2); c.178-4172C>T (NM_001199974.2); short protein forms W47*.
Identifiers: ClinVar variation 4087137 (VCV004087137.2).